The following is an entry in ClinVar:

ClinVar aggregate classification (germline): Uncertain significance (1 of 4 stars; one submission).

Conditions:
Inborn genetic diseases. Identifiers: MedGen C0950123, MeSH D030342.

Allele frequency attached by ClinVar (database versions not stated): gnomAD 0.00001; TOPMed 0.00001.
gnomAD v4.1: 2 of 1,614,104 alleles (0.00012%); highest among the groups gnomAD compares: African/African-American, 0.0027%; no homozygotes.

Submission:

Ambry Genetics
Classification: Uncertain significance for Inborn genetic diseases. Last evaluated: 2021-09-26. Review status: criteria provided, single submitter. Criteria: Ambry Variant Classification Scheme 2023. Collection method: clinical testing. Allele origin: germline.
Comment: The p.F118L variant (also known as c.354C>G), located in coding exon 3 of the EPAS1 gene, results from a C to G substitution at nucleotide position 354. The phenylalanine at codon 118 is replaced by leucine, an amino acid with highly similar properties. This amino acid position is conserved. In addition, this alteration is predicted to be tolerated by in silico analysis. Since supporting evidence is limited at this time, the clinical significance of this alteration remains unclear.

NM_001430.5(EPAS1):c.354C>G (p.Phe118Leu)

Gene: EPAS1 (endothelial PAS domain protein 1; plus strand). Cytogenetic location: 2p21.
Variant type: single nucleotide variant.
Coding change: c.354C>G on transcript NM_001430.5 (MANE Select); coding-DNA position 354, C replaced by G.
Protein change: p.Phe118Leu; replaces phenylalanine 118 with leucine.
Molecular consequence: missense variant.
Genome position (GRCh38, 1-based): chr2:46,356,287, C>G. VCF-style: chr2-46356287-C-G. GRCh37 (hg19) VCF-style: chr2-46583426-C-G.
Other names: short protein forms F118L.
Identifiers: ClinVar variation 1732562 (VCV001732562.2), dbSNP rs767974116, ClinGen allele CA1644614.
Genomic context (GRCh38, chr2:46,356,287, plus strand): 5'-CATTGCCGTGGTGACCCAAGATGGCGACATGATCTTTCTGTCAGAAAACATCAGCAAGTT[C>G]ATGGGACTTACACAGGTGACACCCTCCTCTATCTCTTTCAAAAGAAGAAATGTTTCCATT-3'
Protein context (NP_001421.2, residues 108-128): MIFLSENISK[Phe118Leu]MGLTQVELTG